The following is an entry in ClinVar:

ClinVar aggregate classification (germline): Pathogenic/Likely pathogenic. Review status: criteria provided, multiple submitters, no conflicts (2 of 4 stars). 5 submissions from 5 submitters: Pathogenic (3); Likely pathogenic (1). 1 of the submissions does not count toward it. Last evaluated 2026-01-04.

Conditions:
Schimke immuno-osseous dysplasia (SIOD). Also called: Schimke Immunoosseous Dysplasia. Identifiers: Orphanet 1830, MedGen C0877024, MONDO:0009458, OMIM 242900.

Allele frequency attached by ClinVar (database versions not stated): gnomAD exomes below 0.00001 and 0.00001; TOPMed below 0.00001.
gnomAD v4.1: 11 of 1,614,182 alleles (0.00068%); highest among the groups gnomAD compares: Non-Finnish European, 0.00068%; no homozygotes.

Submissions (5):

Labcorp Genetics (formerly Invitae), Labcorp
Classification: Pathogenic for Schimke immuno-osseous dysplasia. Last evaluated: 2026-01-04. Review status: criteria provided, single submitter. Criteria: Invitae Variant Classification Sherloc (09022015). Collection method: clinical testing. Allele origin: germline.
Comment: This sequence change replaces arginine, which is basic and polar, with tryptophan, which is neutral and slightly polar, at codon 644 of the SMARCAL1 protein (p.Arg644Trp). This variant is present in population databases (no rsID available, gnomAD 0.004%). This missense change has been observed in individual(s) with Schimke immunoosseous dysplasia (PMID: 11799392, 18805831). In at least one individual the data is consistent with being in trans (on the opposite chromosome) from a pathogenic variant. ClinVar contains an entry for this variant (Variation ID: 992420). Invitae Evidence Modeling of protein sequence and biophysical properties (such as structural, functional, and spatial information, amino acid conservation, physicochemical variation, residue mobility, and thermodynamic stability) indicates that this missense variant is expected to disrupt SMARCAL1 protein function with a positive predictive value of 80%. Experimental studies have shown that this missense change affects SMARCAL1 function (PMID: 18805831). This variant disrupts the p.Arg644 amino acid residue in SMARCAL1. Other variant(s) that disrupt this residue have been determined to be pathogenic (PMID: 28796785, 31039288). This suggests that this residue is clinically significant, and that variants that disrupt this residue are likely to be disease-causing. For these reasons, this variant has been classified as Pathogenic.

Natera, Inc.
Classification: Pathogenic for Schimke immuno-osseous dysplasia. Last evaluated: 2024-12-22. Review status: criteria provided, single submitter. Criteria: Natera Variant Classification Schema (03/2026). Collection method: clinical testing. Allele origin: germline.
Comment: The c.1930C>T variant in SMARCAL1 is a missense variant predicted to cause substitution of arginine to tryptophan at amino acid 644. This variant is rare in the general population with a frequency below the threshold expected for the associated phenotype(s). This variant has been observed in one or more individuals affected with the associated recessive disease, as either homozygous or compound heterozygous with a second variant (PMID: 32363171, 11799392, 18805831). This variant has been observed to segregate in affected family members (PMID: 11799392). A different variant at the same position has been determined to be Pathogenic or Likely Pathogenic. Computational prediction algorithms indicate this variant is likely to affect gene or protein function. Given the available evidence, this variant is classified as Pathogenic.

Fulgent Genetics
Classification: Likely pathogenic for Schimke immuno-osseous dysplasia. Last evaluated: 2024-05-17. Review status: criteria provided, single submitter. Criteria: ACMG Guidelines, 2015. Collection method: clinical testing. Allele origin: germline.

Juno Genomics, Hangzhou Juno Genomics, Inc
Classification: Pathogenic for Schimke immuno-osseous dysplasia. Review status: criteria provided, single submitter. Criteria: ACMG Guidelines, 2015. Collection method: clinical testing. Allele origin: germline.
Comment: Absent from controls (or at extremely low frequency if recessive) in Genome Aggregation Database.;Multiple lines of computational evidence support a deleterious effect on the gene or gene product.;For recessive disorders, detected in trans with a pathogenic variant.;Patient's phenotype or family history is highly specific for a disease with a single genetic etiology.

Bioscientia Institut fuer Medizinische Diagnostik GmbH, Sonic Healthcare
Classification: Likely pathogenic for Schimke immuno-osseous dysplasia. Last evaluated: 2020-01-22. Review status: no assertion criteria provided. Collection method: clinical testing. Allele origin: germline. Affected: yes. Not counted in ClinVar's aggregate classification.

Literature cited by the submitters: PubMed 11799392 (cited by Labcorp Genetics (formerly Invitae), Labcorp and Natera, Inc.); PubMed 18805831 (cited by Labcorp Genetics (formerly Invitae), Labcorp and Natera, Inc.); PubMed 28796785 (cited by Labcorp Genetics (formerly Invitae), Labcorp); PubMed 31039288 (cited by Labcorp Genetics (formerly Invitae), Labcorp); PubMed 32363171 (cited by Natera, Inc.).

NM_014140.4(SMARCAL1):c.1930C>T (p.Arg644Trp)

Gene: SMARCAL1 (SNF2 related chromatin remodeling annealing helicase 1; plus strand). Cytogenetic location: 2q35.
Variant type: single nucleotide variant.
Coding change: c.1930C>T on transcript NM_014140.4 (MANE Select); coding-DNA position 1930, C replaced by T.
Protein change: p.Arg644Trp; replaces arginine 644 with tryptophan.
Molecular consequence: missense variant.
Genome position (GRCh38, 1-based): chr2:216,450,924, C>T. VCF-style: chr2-216450924-C-T. GRCh37 (hg19) VCF-style: chr2-217315647-C-T.
Other names: c.1930C>T, p.Arg644Trp (NM_001127207.2); short protein forms R644W.
Identifiers: ClinVar variation 992420 (VCV000992420.14), dbSNP rs1313658611, ClinGen allele CA350502057.